The following is an entry in ClinVar:

NM_198578.4(LRRK2):c.3960G>T (p.Arg1320Ser)

Gene: LRRK2 (leucine rich repeat kinase 2; plus strand). Cytogenetic location: 12q12.
Variant type: single nucleotide variant.
Coding change: c.3960G>T on transcript NM_198578.4 (MANE Select); coding-DNA position 3960, G replaced by T.
Protein change: p.Arg1320Ser; replaces arginine 1320 with serine.
Molecular consequence: missense variant.
Genome position (GRCh38, 1-based): chr12:40,308,467, G>T. VCF-style: chr12-40308467-G-T. GRCh37 (hg19) VCF-style: chr12-40702269-G-T.
Other names: short protein forms R1320S.
Identifiers: ClinVar variation 39174 (VCV000039174.40), dbSNP rs77018758, ClinGen allele CA343559.

ClinVar aggregate classification (germline): Conflicting classifications of pathogenicity. Review status: criteria provided, conflicting classifications (1 of 4 stars). 5 submissions from 5 submitters: Uncertain significance (1); Likely benign (3). 1 of the submissions does not count toward it. Last evaluated 2026-03-01.

Conditions:
Autosomal dominant Parkinson disease 8. Also called: LRRK2-Related Parkinson Disease; Parkinson disease 8; Parkinson disease 8, susceptibility to. Identifiers: Orphanet 411602, MedGen C1846862, MONDO:0011764, OMIM 607060.

Allele frequency attached by ClinVar (database versions not stated): TOPMed 0.00008; gnomAD 0.00009 and 0.00021; gnomAD exomes 0.00016 and 0.00043; ExAC 0.00017; 1000 Genomes Project 30x 0.00078; 1000 Genomes Project 0.00100.
gnomAD v4.1: 634 of 1,611,372 alleles (0.039%); highest among the groups gnomAD compares: East Asian, 1.4%; 12 homozygotes.

Submissions (5):

CeGaT Center for Human Genetics Tuebingen
Classification: Likely benign. Last evaluated: 2026-03-01. Review status: criteria provided, single submitter. Criteria: CeGaT Center For Human Genetics Tuebingen Variant Classification Criteria Version 2. Collection method: clinical testing. Allele origin: germline. Affected: yes. Observed: 2 variant alleles.
Comment: LRRK2: BS1

Labcorp Genetics (formerly Invitae), Labcorp
Classification: Likely benign for Autosomal dominant Parkinson disease 8. Last evaluated: 2025-02-15. Review status: criteria provided, single submitter. Criteria: Invitae Variant Classification Sherloc (09022015). Collection method: clinical testing. Allele origin: germline.

Department of Pathology and Laboratory Medicine, Sinai Health System
Classification: Uncertain significance for Autosomal dominant Parkinson disease 8. Last evaluated: 2022-05-18. Review status: criteria provided, single submitter. Criteria: ACMG Guidelines, 2015. Collection method: research. Allele origin: germline.

Illumina Laboratory Services, Illumina
Classification: Likely benign for Autosomal dominant Parkinson disease 8. Last evaluated: 2018-01-12. Review status: criteria provided, single submitter. Criteria: ICSL Variant Classification Criteria 13 December 2019. Collection method: clinical testing. Allele origin: germline.
Comment: This variant was observed in the ICSL laboratory as part of a predisposition screen in an ostensibly healthy population. It had not been previously curated by ICSL or reported in the Human Gene Mutation Database (HGMD: prior to June 1st, 2018), and was therefore a candidate for classification through an automated scoring system. Utilizing variant allele frequency, disease prevalence and penetrance estimates, and inheritance mode, an automated score was calculated to assess if this variant is too frequent to cause the disease. Based on the score and internal cut-off values, a variant classified as likely benign is not then subjected to further curation. The score for this variant resulted in a classification of likely benign for this disease.

GeneReviews
Classification: Uncertain significance for LRRK2-Related Parkinson Disease. Last evaluated: 2012-09-13. Review status: no assertion criteria provided. Collection method: curation. Allele origin: unknown. Not counted in ClinVar's aggregate classification.
ClinVar note: Converted during submission from unknown to Uncertain significance.